The following is an entry in ClinVar:

ClinVar aggregate classification (germline): Pathogenic/Likely pathogenic. Review status: criteria provided, multiple submitters, no conflicts (2 of 4 stars). 2 submissions from 2 submitters: Pathogenic (1); Likely pathogenic (1). Last evaluated 2025-03-14.

Conditions:
Usher syndrome type 1B (USH1B). Also called: Usher syndrome type IB. Identifiers: MedGen C1848638, MONDO:0700087.

Submissions (2):

Natera, Inc.
Classification: Likely pathogenic for Usher syndrome type 1B. Last evaluated: 2025-03-14. Review status: criteria provided, single submitter. Criteria: Natera Variant Classification Schema (03/2026). Collection method: clinical testing. Allele origin: germline.
Comment: The c.1940del variant in MYO7A is a frameshift variant predicted to shift the reading frame beginning at codon 647 and leads to a stop codon 15 codons downstream. This variant is expected to result in nonsense mediated decay, truncation, or a dysfunctional protein product. This variant is rare in the general population with a frequency below the threshold expected for the associated phenotype(s). Given the available evidence, this variant is classified as Likely Pathogenic.

Labcorp Genetics (formerly Invitae), Labcorp
Classification: Pathogenic. Last evaluated: 2023-04-27. Review status: criteria provided, single submitter. Criteria: Invitae Variant Classification Sherloc (09022015). Collection method: clinical testing. Allele origin: germline.
Comment: For these reasons, this variant has been classified as Pathogenic. ClinVar contains an entry for this variant (Variation ID: 954142). This variant has not been reported in the literature in individuals affected with MYO7A-related conditions. This variant is not present in population databases (gnomAD no frequency). This sequence change creates a premature translational stop signal (p.Phe647Serfs*15) in the MYO7A gene. It is expected to result in an absent or disrupted protein product. Loss-of-function variants in MYO7A are known to be pathogenic (PMID: 8900236, 25404053).

Literature cited by the submitters: PubMed 8900236 (cited by Labcorp Genetics (formerly Invitae), Labcorp); PubMed 25404053 (cited by Labcorp Genetics (formerly Invitae), Labcorp).

NM_000260.4(MYO7A):c.1940del (p.Phe647fs)

Gene: MYO7A (myosin VIIA; plus strand). Cytogenetic location: 11q13.5.
Variant type: Deletion.
Coding change: c.1940del on transcript NM_000260.4 (MANE Select); coding-DNA position 1940, one base deleted (T; older notation c.1940delT).
Protein change: p.Phe647fs; shifts the reading frame from phenylalanine 647.
Molecular consequence: frameshift variant.
Genome position (GRCh38, 1-based): chr11:77,174,760, T deleted; the last of 2 consecutive T bases (chr11:77,174,759-77,174,760); deleting either gives the same sequence. VCF-style (leftmost placement, unchanged base first): chr11-77174758-GT-G. GRCh37 (hg19) VCF-style: chr11-76885804-GT-G.
Other names: c.1940del, p.Phe647fs (NM_001127180.2); c.1907del, p.Phe636fs (NM_001369365.1); short protein forms F636fs, F647fs.
Identifiers: ClinVar variation 954142 (VCV000954142.9), dbSNP rs1555078815, ClinGen allele CA600710594.